The following is an entry in ClinVar:

NM_007294.4(BRCA1):c.133A>T (p.Lys45Ter)

Gene: BRCA1 (BRCA1 DNA repair associated; minus strand). Cytogenetic location: 17q21.31.
Variant type: single nucleotide variant.
Coding change: c.133A>T on transcript NM_007294.4 (MANE Select); coding-DNA position 133, A replaced by T.
Protein change: p.Lys45Ter; replaces lysine 45 with a stop codon.
Molecular consequence: nonsense. On other transcripts: non-coding transcript variant (1), intron variant (1).
Genome position (GRCh38, 1-based): chr17:43,115,727, T>A on the plus strand (A>T on the coding strand, the complement: BRCA1 is on the minus strand). VCF-style: chr17-43115727-T-A. GRCh37 (hg19) VCF-style: chr17-41267744-T-A.
Other names: c.-56A>T (NM_001407571.1, NM_001407853.1, NM_001407879.1 and 52 more transcripts); c.133A>T, p.Lys45Ter (NM_001407581.1, NM_001407582.1, NM_001407583.1 and 192 more transcripts); c.-125A>T (NM_001407694.1, NM_001407696.1, NM_001407724.1 and 13 more transcripts); c.-129A>T (NM_001407695.1, NM_001408465.1); c.-9A>T (NM_001407697.1, NM_001407725.1, NM_001407728.1 and 47 more transcripts); c.-172A>T (NM_001407889.1, NM_001407900.1, NM_001408492.1); c.-171A>T (NM_001407960.1, NM_001407962.1, NM_001408510.1 and 1 more transcripts); c.-287A>T (NM_001407965.1); and 1 more; short protein forms K45*.
Identifiers: ClinVar variation 865151 (VCV000865151.3), dbSNP rs769650474, ClinGen allele CA10601893.

Conditions:
Breast-ovarian cancer, familial, susceptibility to, 1 (BROVCA1). Also called: BRCA1 Hereditary Breast and Ovarian Cancer; OVARIAN CANCER, SUSCEPTIBILITY TO. Identifiers: Orphanet 145, MedGen C2676676, MONDO:0011450, OMIM 604370. Disease mechanism: loss of function.

Submission:

Brotman Baty Institute, University of Washington
No classification provided (evidence only). Condition: Breast-ovarian cancer, familial 1. Review status: no classification provided. Collection method: in vitro. Allele origin: not applicable. Functional consequence: functionally_abnormal.
ClinVar note: "not provided" was previously submitted as the classification for the variant. However, the classification appeared to be based only on an observation of functional data so it was converted to no classification on 2025-07-30.